The following is an entry in ClinVar:

NM_198253.3(TERT):c.802C>T (p.Arg268Cys)

Gene: TERT (telomerase reverse transcriptase; minus strand). Cytogenetic location: 5p15.33.
Variant type: single nucleotide variant.
Coding change: c.802C>T on transcript NM_198253.3 (MANE Select); coding-DNA position 802, C replaced by T.
Protein change: p.Arg268Cys; replaces arginine 268 with cysteine.
Molecular consequence: missense variant. On other transcripts: non-coding transcript variant (2).
Genome position (GRCh38, 1-based): chr5:1,294,084, G>A on the plus strand (C>T on the coding strand, the complement: TERT is on the minus strand). VCF-style: chr5-1294084-G-A. GRCh37 (hg19) VCF-style: chr5-1294199-G-A.
Other names: c.802C>T, p.Arg268Cys (NM_001193376.3); short protein forms R268C.
Identifiers: ClinVar variation 959774 (VCV000959774.11), dbSNP rs749827230, ClinGen allele CA3184912.

ClinVar aggregate classification (germline): Conflicting classifications of pathogenicity. Review status: criteria provided, conflicting classifications (1 of 4 stars). 2 submissions from 2 submitters: Uncertain significance (1); Likely benign (1). Last evaluated 2023-11-03.

Conditions:
Idiopathic Pulmonary Fibrosis. Also called: Idiopathic fibrosing alveolitis, chronic form; idiopathic fibrosing alveolitis. Identifiers: Orphanet 2032, MedGen C1800706, MeSH D054990, MONDO:0800504.
Dyskeratosis congenita, autosomal dominant 2. Identifiers: MedGen C3151443, MONDO:0013521, OMIM 613989.
Dyskeratosis congenita. Identifiers: Orphanet 1775, MedGen C0265965, MONDO:0015780.

Allele frequency attached by ClinVar (database versions not stated): gnomAD exomes below 0.00001 and 0.00001; ExAC 0.00002.
gnomAD v4.1: 2 of 1,590,318 alleles (0.00013%); highest among the groups gnomAD compares: South Asian, 0.0011%; no homozygotes.

Submissions (2):

Ambry Genetics
Classification: Uncertain significance for Dyskeratosis congenita. Last evaluated: 2023-11-03. Review status: criteria provided, single submitter. Criteria: Ambry Variant Classification Scheme 2023. Collection method: clinical testing. Allele origin: germline.
Comment: The p.R268C variant (also known as c.802C>T), located in coding exon 2 of the TERT gene, results from a C to T substitution at nucleotide position 802. The arginine at codon 268 is replaced by cysteine, an amino acid with highly dissimilar properties. This amino acid position is conserved. In addition, this alteration is predicted to be tolerated by in silico analysis. Since supporting evidence is limited at this time, the clinical significance of this alteration remains unclear.

Labcorp Genetics (formerly Invitae), Labcorp
Classification: Likely benign for Dyskeratosis congenita, autosomal dominant 2; Idiopathic Pulmonary Fibrosis. Last evaluated: 2022-08-23. Review status: criteria provided, single submitter. Criteria: Invitae Variant Classification Sherloc (09022015). Collection method: clinical testing. Allele origin: germline.